The following is an entry in ClinVar:

NM_015102.5(NPHP4):c.1532C>T (p.Pro511Leu)

Gene: NPHP4 (nephrocystin 4; minus strand). Cytogenetic location: 1p36.31.
Variant type: single nucleotide variant.
Coding change: c.1532C>T on transcript NM_015102.5 (MANE Select); coding-DNA position 1532, C replaced by T.
Protein change: p.Pro511Leu; replaces proline 511 with leucine.
Molecular consequence: missense variant. On other transcripts: intron variant (2), non-coding transcript variant (1).
Genome position (GRCh38, 1-based): chr1:5,907,194, G>A on the plus strand (C>T on the coding strand, the complement: NPHP4 is on the minus strand). VCF-style: chr1-5907194-G-A. GRCh37 (hg19) VCF-style: chr1-5967254-G-A.
Other names: c.76-1411C>T (NM_001291594.2); c.76-1414C>T (NM_001291593.2); c.1532C>T (NM_015102.3); short protein forms P511L.
Identifiers: ClinVar variation 1039129 (VCV001039129.7), dbSNP rs761974713, ClinGen allele CA554454.

ClinVar aggregate classification (germline): Uncertain significance. Review status: criteria provided, multiple submitters, no conflicts (2 of 4 stars). 2 submissions from 2 submitters: Uncertain significance (2). Last evaluated 2025-03-24.

Conditions:
Nephronophthisis. Also called: Juvenile Nephronophthisis. Identifiers: Orphanet 655, MedGen C0687120, MONDO:0019005, HP:0000090.

Allele frequency attached by ClinVar (database versions not stated): gnomAD 0.00001; gnomAD exomes 0.00001; ExAC 0.00002; TOPMed 0.00002.
gnomAD v4.1: 21 of 1,585,524 alleles (0.0013%); highest among the groups gnomAD compares: South Asian, 0.0035%; no homozygotes.

Submissions (2):

GeneDx
Classification: Uncertain significance. Last evaluated: 2025-03-24. Review status: criteria provided, single submitter. Criteria: GeneDx Variant Classification Process June 2021. Collection method: clinical testing. Allele origin: germline. Affected: yes.
Comment: In silico analysis indicates that this missense variant does not alter protein structure/function; This variant is associated with the following publications: (PMID: 25525159, 17855640)

Labcorp Genetics (formerly Invitae), Labcorp
Classification: Uncertain significance for Nephronophthisis. Last evaluated: 2022-06-29. Review status: criteria provided, single submitter. Criteria: Invitae Variant Classification Sherloc (09022015). Collection method: clinical testing. Allele origin: germline.
Comment: The frequency data for this variant in the population databases is considered unreliable, as metrics indicate poor data quality at this position in the gnomAD database. In summary, the available evidence is currently insufficient to determine the role of this variant in disease. Therefore, it has been classified as a Variant of Uncertain Significance. Algorithms developed to predict the effect of missense changes on protein structure and function are either unavailable or do not agree on the potential impact of this missense change (SIFT: "Deleterious"; PolyPhen-2: "Benign"; Align-GVGD: "Class C0"). ClinVar contains an entry for this variant (Variation ID: 1039129). This variant has not been reported in the literature in individuals affected with NPHP4-related conditions. This sequence change replaces proline, which is neutral and non-polar, with leucine, which is neutral and non-polar, at codon 511 of the NPHP4 protein (p.Pro511Leu).